The following is an entry in ClinVar:

ClinVar aggregate classification (germline): Uncertain significance (1 of 4 stars; one submission).

Conditions:
Severe combined immunodeficiency due to CORO1A deficiency. Also called: Immunodeficiency 8; IMMUNODEFICIENCY 8 WITH LYMPHOPROLIFERATION. Identifiers: Orphanet 228003, MedGen C3809383, MONDO:0014168, OMIM 615401.

Submission:

Labcorp Genetics (formerly Invitae), Labcorp
Classification: Uncertain significance for Severe combined immunodeficiency due to CORO1A deficiency. Last evaluated: 2023-02-14. Review status: criteria provided, single submitter. Criteria: Invitae Variant Classification Sherloc (09022015). Collection method: clinical testing. Allele origin: germline.
Comment: This sequence change replaces methionine, which is neutral and non-polar, with isoleucine, which is neutral and non-polar, at codon 107 of the CORO1A protein (p.Met107Ile). This variant also falls at the last nucleotide of exon 3, which is part of the consensus splice site for this exon. This variant is not present in population databases (gnomAD no frequency). This variant has not been reported in the literature in individuals affected with CORO1A-related conditions. Algorithms developed to predict the effect of missense changes on protein structure and function are either unavailable or do not agree on the potential impact of this missense change (SIFT: "Tolerated"; PolyPhen-2: "Possibly Damaging"; Align-GVGD: "Class C0"). Variants that disrupt the consensus splice site are a relatively common cause of aberrant splicing (PMID: 17576681, 9536098). In summary, the available evidence is currently insufficient to determine the role of this variant in disease. Therefore, it has been classified as a Variant of Uncertain Significance.

Literature cited by the submitters: PubMed 17576681; PubMed 9536098.

NM_007074.4(CORO1A):c.321G>A (p.Met107Ile)

Gene: CORO1A (coronin 1A; plus strand). Cytogenetic location: 16p11.2.
Variant type: single nucleotide variant.
Coding change: c.321G>A on transcript NM_007074.4 (MANE Select); coding-DNA position 321, G replaced by A.
Protein change: p.Met107Ile; replaces methionine 107 with isoleucine.
Molecular consequence: missense variant.
Genome position (GRCh38, 1-based): chr16:30,186,720, G>A. VCF-style: chr16-30186720-G-A. GRCh37 (hg19) VCF-style: chr16-30198041-G-A.
Other names: c.321G>A, p.Met107Ile (NM_001193333.3); short protein forms M107I.
Identifiers: ClinVar variation 2837451 (VCV002837451.3), dbSNP rs1229820781, ClinGen allele CA395492688.